The following is an entry in ClinVar:

ClinVar aggregate classification (germline): Uncertain significance. Review status: criteria provided, multiple submitters, no conflicts (2 of 4 stars). 2 submissions from 2 submitters: Uncertain significance (2). Last evaluated 2024-10-23.

Conditions:
Ataxia-telangiectasia syndrome (AT). Also called: Ataxia-telangiectasia, complementation group E; Ataxia telangiectasia (A-T); LOUIS-BAR SYNDROME; Cerebello-oculocutaneous telangiectasia; Immunodeficiency with ataxia telangiectasia; Ataxia-telangiectasia, complementation group D. Identifiers: Orphanet 100, MedGen C0004135, MONDO:0008840, OMIM 208900.

Submissions (2):

Labcorp Genetics (formerly Invitae), Labcorp
Classification: Uncertain significance for Ataxia-telangiectasia syndrome. Last evaluated: 2024-10-23. Review status: criteria provided, single submitter. Criteria: Invitae Variant Classification Sherloc (09022015). Collection method: clinical testing. Allele origin: germline.
Comment: This sequence change replaces asparagine, which is neutral and polar, with tyrosine, which is neutral and polar, at codon 2567 of the ATM protein (p.Asn2567Tyr). This variant is not present in population databases (gnomAD no frequency). This variant has not been reported in the literature in individuals affected with ATM-related conditions. ClinVar contains an entry for this variant (Variation ID: 2428811). Invitae Evidence Modeling of protein sequence and biophysical properties (such as structural, functional, and spatial information, amino acid conservation, physicochemical variation, residue mobility, and thermodynamic stability) has been performed for this missense variant. However, the output from this modeling did not meet the statistical confidence thresholds required to predict the impact of this variant on ATM protein function. In summary, the available evidence is currently insufficient to determine the role of this variant in disease. Therefore, it has been classified as a Variant of Uncertain Significance.

GeneDx
Classification: Uncertain significance. Last evaluated: 2022-08-03. Review status: criteria provided, single submitter. Criteria: GeneDx Variant Classification Process June 2021. Collection method: clinical testing. Allele origin: germline. Affected: yes.
Comment: Not observed at significant frequency in large population cohorts (gnomAD); In silico analysis supports that this missense variant has a deleterious effect on protein structure/function; Has not been previously published as pathogenic or benign to our knowledge

NM_000051.4(ATM):c.7699A>T (p.Asn2567Tyr)

Genes: ATM (ATM serine/threonine kinase; plus strand), C11orf65 (chromosome 11 open reading frame 65; minus strand). Cytogenetic location: 11q22.3.
Variant type: single nucleotide variant.
Coding change: c.7699A>T on transcript NM_000051.4 (MANE Select); coding-DNA position 7699, A replaced by T.
Protein change: p.Asn2567Tyr; replaces asparagine 2567 with tyrosine.
Molecular consequence: missense variant. On other transcripts: intron variant (2).
Genome position (GRCh38, 1-based): chr11:108,331,948, A>T. VCF-style: chr11-108331948-A-T. GRCh37 (hg19) VCF-style: chr11-108202675-A-T.
Other names: c.7699A>T, p.Asn2567Tyr (NM_001351834.2); c.641-22877T>A (NM_001330368.2); c.*38+3272T>A (NM_001351110.2); short protein forms N2567Y.
Identifiers: ClinVar variation 2428811 (VCV002428811.42), dbSNP rs2136521218, ClinGen allele CA382561033.